The following is an entry in ClinVar:

ClinVar aggregate classification (germline): Pathogenic (1 of 4 stars; one submission).

Submission:

Labcorp Genetics (formerly Invitae), Labcorp
Classification: Pathogenic. Last evaluated: 2021-04-26. Review status: criteria provided, single submitter. Criteria: Invitae Variant Classification Sherloc (09022015). Collection method: clinical testing. Allele origin: germline.
Comment: For these reasons, this variant has been classified as Pathogenic. This variant has not been reported in the literature in individuals with REST-related conditions. This variant is not present in population databases (ExAC no frequency). This sequence change creates a premature translational stop signal (p.Gly92*) in the REST gene. It is expected to result in an absent or disrupted protein product. Loss-of-function variants in REST are known to be pathogenic (PMID: 26551668).

Literature cited by the submitters: PubMed 26551668.

NM_005612.5(REST):c.274G>T (p.Gly92Ter)

Gene: REST (RE1 silencing transcription factor; plus strand). Cytogenetic location: 4q12.
Variant type: single nucleotide variant.
Coding change: c.274G>T on transcript NM_005612.5 (MANE Select); coding-DNA position 274, G replaced by T.
Protein change: p.Gly92Ter; replaces glycine 92 with a stop codon.
Molecular consequence: nonsense.
Genome position (GRCh38, 1-based): chr4:56,910,912, G>T. VCF-style: chr4-56910912-G-T. GRCh37 (hg19) VCF-style: chr4-57777078-G-T.
Other names: c.274G>T, p.Gly92Ter (NM_001193508.2, NM_001363453.3); short protein forms G92*.
Identifiers: ClinVar variation 1435178 (VCV001435178.6), dbSNP rs61748753, ClinGen allele CA357003268.